The following is an entry in ClinVar:

NM_000447.3(PSEN2):c.194G>A (p.Cys65Tyr)

Gene: PSEN2 (presenilin 2; plus strand). Cytogenetic location: 1q42.13.
Variant type: single nucleotide variant.
Coding change: c.194G>A on transcript NM_000447.3 (MANE Select); coding-DNA position 194, G replaced by A.
Protein change: p.Cys65Tyr; replaces cysteine 65 with tyrosine.
Molecular consequence: missense variant.
Genome position (GRCh38, 1-based): chr1:226,883,757, G>A. VCF-style: chr1-226883757-G-A. GRCh37 (hg19) VCF-style: chr1-227071458-G-A.
Other names: c.194G>A, p.Cys65Tyr (NM_012486.3); short protein forms C65Y.
Identifiers: ClinVar variation 2697298 (VCV002697298.4), dbSNP rs766446160, ClinGen allele CA1424433.
Genomic context (GRCh38, chr1:226,883,757, plus strand): 5'-TCCCACAGAGAAGCCAGGAGAACGAGGAGGACGGTGAGGAGGACCCTGACCGCTATGTCT[G>A]TAGTGGGGTTCCCGGGCGGCCGCCAGGCCTGGAGGAAGAGCTGACCCTCAAATACGGAGC-3'
Protein context (NP_000438.2, residues 55-75): DGEEDPDRYV[Cys65Tyr]SGVPGRPPGL

ClinVar aggregate classification (germline): Uncertain significance. Review status: criteria provided, multiple submitters, no conflicts (2 of 4 stars). 2 submissions from 2 submitters: Uncertain significance (2). Last evaluated 2025-05-23.

Conditions:
Alzheimer disease 4 (AD4). Identifiers: Orphanet 1020, MedGen C1847200, MONDO:0011743, OMIM 606889.

Allele frequency attached by ClinVar (database versions not stated): gnomAD exomes 0.00001; ExAC 0.00002; TOPMed 0.00002.
gnomAD v4.1: 14 of 1,614,206 alleles (0.00087%); highest among the groups gnomAD compares: Admixed American, 0.017%; no homozygotes.

Submissions (2):

Women's Health and Genetics/Laboratory Corporation of America, LabCorp
Classification: Uncertain significance. Last evaluated: 2025-05-23. Review status: criteria provided, single submitter. Criteria: LabCorp Variant Classification Summary - May 2015. Collection method: clinical testing. Allele origin: germline.
Comment: Variant summary: PSEN2 c.194G>A (p.Cys65Tyr) results in a non-conservative amino acid change in the encoded protein sequence. Algorithms developed to predict the effect of missense changes on protein structure and function are either unavailable or do not agree on the potential impact of this missense change. The variant allele was found at a frequency of 4.4e-05 in 251240 control chromosomes, predominantly at a frequency of 0.00029 within the Latino subpopulation in the gnomAD database. This frequency is not significantly higher than estimated for a pathogenic variant in PSEN2 causing Alzheimer Disease 4, allowing no conclusion about variant significance. c.194G>A has been observed in one individual affected with early-onset dementia (Ramos-Campoy_2020). These report(s) do not provide unequivocal conclusions about association of the variant with Alzheimer Disease 4. To our knowledge, no experimental evidence demonstrating an impact on protein function has been reported.The following publication has been ascertained in the context of this evaluation (PMID: 32317127). ClinVar contains an entry for this variant (Variation ID: 2697298). Based on the evidence outlined above, the variant was classified as uncertain significance.

Labcorp Genetics (formerly Invitae), Labcorp
Classification: Uncertain significance for Alzheimer disease 4. Last evaluated: 2023-07-04. Review status: criteria provided, single submitter. Criteria: Invitae Variant Classification Sherloc (09022015). Collection method: clinical testing. Allele origin: germline.
Comment: This sequence change replaces cysteine, which is neutral and slightly polar, with tyrosine, which is neutral and polar, at codon 65 of the PSEN2 protein (p.Cys65Tyr). This variant is present in population databases (rs766446160, gnomAD 0.02%). This missense change has been observed in individual(s) with early onset frontotemporal dementia (PMID: 32317127). Advanced modeling of protein sequence and biophysical properties (such as structural, functional, and spatial information, amino acid conservation, physicochemical variation, residue mobility, and thermodynamic stability) performed at Invitae indicates that this missense variant is not expected to disrupt PSEN2 protein function. In summary, the available evidence is currently insufficient to determine the role of this variant in disease. Therefore, it has been classified as a Variant of Uncertain Significance.

Literature cited by the submitters: PubMed 32317127 (cited by Women's Health and Genetics/Laboratory Corporation of America, LabCorp and Labcorp Genetics (formerly Invitae), Labcorp).